The following is an entry in ClinVar:

NM_003737.4(DCHS1):c.5687C>A (p.Ala1896Asp)

Gene: DCHS1 (dachsous cadherin-related 1; minus strand). Cytogenetic location: 11p15.4.
Variant type: single nucleotide variant.
Coding change: c.5687C>A on transcript NM_003737.4 (MANE Select); coding-DNA position 5687, C replaced by A.
Protein change: p.Ala1896Asp; replaces alanine 1896 with aspartic acid.
Molecular consequence: missense variant.
Genome position (GRCh38, 1-based): chr11:6,627,352, G>T on the plus strand (C>A on the coding strand, the complement: DCHS1 is on the minus strand). VCF-style: chr11-6627352-G-T. GRCh37 (hg19) VCF-style: chr11-6648583-G-T.
Other names: short protein forms A1896D.
Identifiers: ClinVar variation 2838298 (VCV002838298.3), dbSNP rs1230026422, ClinGen allele CA379393369.

ClinVar aggregate classification (germline): Uncertain significance (1 of 4 stars; one submission).

Submission:

Labcorp Genetics (formerly Invitae), Labcorp
Classification: Uncertain significance. Last evaluated: 2023-02-16. Review status: criteria provided, single submitter. Criteria: Invitae Variant Classification Sherloc (09022015). Collection method: clinical testing. Allele origin: germline.
Comment: This sequence change replaces alanine, which is neutral and non-polar, with aspartic acid, which is acidic and polar, at codon 1896 of the DCHS1 protein (p.Ala1896Asp). This variant is not present in population databases (gnomAD no frequency). This variant has not been reported in the literature in individuals affected with DCHS1-related conditions. Advanced modeling of protein sequence and biophysical properties (such as structural, functional, and spatial information, amino acid conservation, physicochemical variation, residue mobility, and thermodynamic stability) performed at Invitae indicates that this missense variant is not expected to disrupt DCHS1 protein function. In summary, the available evidence is currently insufficient to determine the role of this variant in disease. Therefore, it has been classified as a Variant of Uncertain Significance.